The following is an entry in ClinVar:

NM_001130438.3(SPTAN1):c.3147T>A (p.Ile1049=)

Gene: SPTAN1 (spectrin alpha, non-erythrocytic 1; plus strand). Cytogenetic location: 9q34.11.
Variant type: single nucleotide variant.
Coding change: c.3147T>A on transcript NM_001130438.3 (MANE Select); coding-DNA position 3147, T replaced by A.
Protein change: p.Ile1049=; no amino-acid change (isoleucine 1049 retained).
Molecular consequence: synonymous variant.
Genome position (GRCh38, 1-based): chr9:128,591,617, T>A. VCF-style: chr9-128591617-T-A. GRCh37 (hg19) VCF-style: chr9-131353896-T-A.
Other names: c.3147T>A, p.Ile1049= (NM_001195532.2, NM_001363759.2, NM_001363765.2 and 5 more transcripts); c.3183T>A, p.Ile1061= (NM_001375312.2, NM_001375318.1).
Identifiers: ClinVar variation 3067741 (VCV003067741.21), dbSNP rs2541401669, ClinGen allele CA467301626.

ClinVar aggregate classification (germline): Likely benign (1 of 4 stars; one submission).

Submission:

CeGaT Center for Human Genetics Tuebingen
Classification: Likely benign. Last evaluated: 2024-03-01. Review status: criteria provided, single submitter. Criteria: CeGaT Center For Human Genetics Tuebingen Variant Classification Criteria Version 2. Collection method: clinical testing. Allele origin: germline. Affected: yes. Observed: 1 variant allele.
Comment: SPTAN1: PM2:Supporting, BP4, BP7